The following is an entry in ClinVar:

NM_172107.4(KCNQ2):c.2115G>A (p.Pro705=)

Gene: KCNQ2 (potassium voltage-gated channel subfamily Q member 2; minus strand). Cytogenetic location: 20q13.33.
Variant type: single nucleotide variant.
Coding change: c.2115G>A on transcript NM_172107.4 (MANE Select); coding-DNA position 2115, G replaced by A.
Protein change: p.Pro705=; no amino-acid change (proline 705 retained).
Molecular consequence: synonymous variant.
Genome position (GRCh38, 1-based): chr20:63,407,148, C>T on the plus strand (G>A on the coding strand, the complement: KCNQ2 is on the minus strand). VCF-style: chr20-63407148-C-T. GRCh37 (hg19) VCF-style: chr20-62038501-C-T.
Other names: c.2031G>A, p.Pro677= (NM_004518.6); c.2061G>A, p.Pro687= (NM_172106.3); c.2022G>A, p.Pro674= (NM_172108.5).
Identifiers: ClinVar variation 508732 (VCV000508732.11), dbSNP rs754279476, ClinGen allele CA9958146.

ClinVar aggregate classification (germline): Likely benign. Review status: criteria provided, multiple submitters, no conflicts (2 of 4 stars). 2 submissions from 2 submitters: Likely benign (2). Last evaluated 2024-12-05.

Conditions:
Early-infantile DEE. Also called: Early infantile epileptic encephalopathy with suppression bursts; Ohtahara syndrome; Early infantile epileptic encephalopathy. Identifiers: Orphanet 1934, MedGen C0393706, MONDO:0800491.

Allele frequency attached by ClinVar (database versions not stated): gnomAD 0.00001; TOPMed 0.00001.
gnomAD v4.1: 20 of 1,580,842 alleles (0.0013%); highest among the groups gnomAD compares: South Asian, 0.0068%; no homozygotes.

Submissions (2):

Labcorp Genetics (formerly Invitae), Labcorp
Classification: Likely benign for Early-infantile DEE. Last evaluated: 2024-12-05. Review status: criteria provided, single submitter. Criteria: Invitae Variant Classification Sherloc (09022015). Collection method: clinical testing. Allele origin: germline.

GeneDx
Classification: Likely benign. Last evaluated: 2017-04-11. Review status: criteria provided, single submitter. Criteria: GeneDx Variant Classification (06012015). Collection method: clinical testing. Allele origin: germline. Affected: yes.
Comment: This variant is considered likely benign or benign based on one or more of the following criteria: it is a conservative change, it occurs at a poorly conserved position in the protein, it is predicted to be benign by multiple in silico algorithms, and/or has population frequency not consistent with disease.